The following is an entry in ClinVar:

ClinVar aggregate classification (germline): Uncertain significance (1 of 4 stars; one submission).

Submission:

Labcorp Genetics (formerly Invitae), Labcorp
Classification: Uncertain significance. Last evaluated: 2025-11-25. Review status: criteria provided, single submitter. Criteria: Invitae Variant Classification Sherloc (09022015). Collection method: clinical testing. Allele origin: germline.
Comment: This sequence change replaces methionine, which is neutral and non-polar, with leucine, which is neutral and non-polar, at codon 204 of the IL23R protein (p.Met204Leu). This variant is not present in population databases (gnomAD no frequency). This variant has not been reported in the literature in individuals affected with IL23R-related conditions. ClinVar contains an entry for this variant (Variation ID: 1390404). An algorithm developed to predict the effect of missense changes on protein structure and function (PolyPhen-2) suggests that this variant is likely to be tolerated. In summary, the available evidence is currently insufficient to determine the role of this variant in disease. Therefore, it has been classified as a Variant of Uncertain Significance.

NM_144701.3(IL23R):c.610A>C (p.Met204Leu)

Gene: IL23R (interleukin 23 receptor; plus strand). Cytogenetic location: 1p31.3.
Variant type: single nucleotide variant.
Coding change: c.610A>C on transcript NM_144701.3 (MANE Select); coding-DNA position 610, A replaced by C.
Protein change: p.Met204Leu; replaces methionine 204 with leucine.
Molecular consequence: missense variant.
Genome position (GRCh38, 1-based): chr1:67,200,855, A>C. VCF-style: chr1-67200855-A-C. GRCh37 (hg19) VCF-style: chr1-67666538-A-C.
Other names: short protein forms M204L.
Identifiers: ClinVar variation 1390404 (VCV001390404.6), dbSNP rs2102623133, ClinGen allele CA340727553.
Genomic context (GRCh38, chr1:67,200,855, plus strand): 5'-GATTCATTACAAGGTGGCAAGAAGTACTTGGTTTGGGTCCAAGCAGCAAACGCACTAGGC[A>C]TGGAAGAGTCAAAACAACTGCAAATTCACCTGGATGATATAGGTAAAGAATAAGAAATTC-3'
Protein context (NP_653302.2, residues 194-214): VWVQAANALG[Met204Leu]EESKQLQIHL